The following is an entry in ClinVar:

ClinVar aggregate classification (germline): Uncertain significance (1 of 4 stars; one submission).

Conditions:
Brugada syndrome 5 (BRGDA5). Identifiers: Orphanet 130, Orphanet 871, MedGen C2748541, MONDO:0013015, OMIM 612838.

Allele frequency attached by ClinVar (database versions not stated): gnomAD exomes 0.00001.
gnomAD v4.1: 12 of 1,553,984 alleles (0.00077%); highest among the groups gnomAD compares: Non-Finnish European, 0.001%; no homozygotes.

Submission:

Labcorp Genetics (formerly Invitae), Labcorp
Classification: Uncertain significance for Brugada syndrome 5. Last evaluated: 2023-01-13. Review status: criteria provided, single submitter. Criteria: Invitae Variant Classification Sherloc (09022015). Collection method: clinical testing. Allele origin: germline.
Comment: In summary, the available evidence is currently insufficient to determine the role of this variant in disease. Therefore, it has been classified as a Variant of Uncertain Significance. Algorithms developed to predict the effect of missense changes on protein structure and function output the following: SIFT: "Tolerated"; PolyPhen-2: "Benign"; Align-GVGD: "Class C0". The leucine amino acid residue is found in multiple mammalian species, which suggests that this missense change does not adversely affect protein function. ClinVar contains an entry for this variant (Variation ID: 1506679). This variant has not been reported in the literature in individuals affected with SCN1B-related conditions. This variant is not present in population databases (gnomAD no frequency). This sequence change replaces valine, which is neutral and non-polar, with leucine, which is neutral and non-polar, at codon 221 of the SCN1B protein (p.Val221Leu).

NM_001037.5(SCN1B):c.448+213G>C

Gene: SCN1B (sodium voltage-gated channel beta subunit 1; plus strand). Cytogenetic location: 19q13.11.
Variant type: single nucleotide variant.
Coding change: c.448+213G>C on transcript NM_001037.5 (MANE Select); 213 bases into the intron after coding-DNA position 448, G replaced by C.
Molecular consequence: intron variant. On other transcripts: missense variant (1).
Genome position (GRCh38, 1-based): chr19:35,033,952, G>C. VCF-style: chr19-35033952-G-C. GRCh37 (hg19) VCF-style: chr19-35524856-G-C.
Other names: c.661G>C, p.Val221Leu (NM_199037.5); c.349+213G>C (NM_001321605.2); short protein forms V221L.
Identifiers: ClinVar variation 1506679 (VCV001506679.8), dbSNP rs2064232193, ClinGen allele CA405329586.